The following is an entry in ClinVar:

ClinVar aggregate classification (germline): Uncertain significance (1 of 4 stars; one submission).

Conditions:
Predisposition to Wilms tumor.

gnomAD v4.1: 7 of 1,612,652 alleles (0.00043%); highest among the groups gnomAD compares: East Asian, 0.0045%; no homozygotes.

Submission:

St. Jude Molecular Pathology, St. Jude Children's Research Hospital
Classification: Uncertain significance for Predisposition to Wilms tumor. Last evaluated: 2026-02-20. Review status: criteria provided, single submitter. Criteria: St. Jude Assertion Criteria 2020. Collection method: clinical testing. Allele origin: germline.
Comment: The NYNRIN c.5563C>T p.(Arg1855Trp) missense change has a maximum subpopulation frequency of 0.0065% in gnomAD v2.1.1. The in silico tool REVEL predicts a benign effect on protein function, but to our knowledge this prediction has not been confirmed by functional studies. To our knowledge, this variant has not been reported in individuals wit h Wilms tumor. In summary, the evidence currently available is insufficient to determine the clinical significance of this variant. It has therefore been classified as of uncertain significance.

NM_025081.3(NYNRIN):c.5563C>T (p.Arg1855Trp)

Gene: NYNRIN (NYN domain and retroviral integrase containing; plus strand). Cytogenetic location: 14q12.
Variant type: single nucleotide variant.
Coding change: c.5563C>T on transcript NM_025081.3 (MANE Select); coding-DNA position 5563, C replaced by T.
Protein change: p.Arg1855Trp; replaces arginine 1855 with tryptophan.
Molecular consequence: missense variant.
Genome position (GRCh38, 1-based): chr14:24,417,312, C>T. VCF-style: chr14-24417312-C-T. GRCh37 (hg19) VCF-style: chr14-24886518-C-T.
Other names: short protein forms R1855W.
Identifiers: ClinVar variation 4813176 (VCV004813176.1).